The following is an entry in ClinVar:

ClinVar aggregate classification (germline): Uncertain significance (1 of 4 stars; one submission).

Submission:

Greenwood Genetic Center Diagnostic Laboratories, Greenwood Genetic Center
Classification: Uncertain significance. Last evaluated: 2025-05-30. Review status: criteria provided, single submitter. Criteria: ACMG Guidelines, 2015. Collection method: clinical testing. Allele origin: germline. Affected: yes.
Comment: Gene of Uncertain Significance

NM_198560.3(LHFPL4):c.230G>T (p.Cys77Phe)

Gene: LHFPL4 (LHFPL tetraspan subfamily member 4; minus strand). Cytogenetic location: 3p25.3.
Variant type: single nucleotide variant.
Coding change: c.230G>T on transcript NM_198560.3 (MANE Select); coding-DNA position 230, G replaced by T.
Protein change: p.Cys77Phe; replaces cysteine 77 with phenylalanine.
Molecular consequence: missense variant.
Genome position (GRCh38, 1-based): chr3:9,552,450, C>A on the plus strand (G>T on the coding strand, the complement: LHFPL4 is on the minus strand). VCF-style: chr3-9552450-C-A. GRCh37 (hg19) VCF-style: chr3-9594134-C-A.
Other names: short protein forms C77F.
Identifiers: ClinVar variation 4538274 (VCV004538274.1).
Genomic context (GRCh38, chr3:9,552,450, plus strand): 5'-AAGGCGGCCGCCTTGAAGGCGCTGGACGGGATGGTGCTGAAGTCGGTGAAGGAGCCCCGG[C>A]AGGTGAGCTCGCGGCCCGCCAGCCCGCTGCCCACGCAGTAGTGGAAGAGGCCGAAGTAGC-3'
Protein context (NP_940962.1, residues 67-87): GSGLAGRELT[Cys77Phe]RGSFTDFSTI